The following is an entry in ClinVar:

ClinVar aggregate classification (germline): Uncertain significance (1 of 4 stars; one submission).

Conditions:
PI4KB-related disorder. Also called: PI4KB-related condition.

Submission:

PreventionGenetics, part of Exact Sciences
Classification: Uncertain significance for PI4KB-related condition. Last evaluated: 2025-12-12. Review status: criteria provided, single submitter. Criteria: ACMG Guidelines, 2015. Collection method: clinical testing. Allele origin: germline.
Comment: The PI4KB c.299G>A variant is predicted to result in the amino acid substitution p.Arg100His. To our knowledge, this variant has not been reported in the literature. This variant is reported in 0.012% of alleles in individuals of European (Non-Finnish) descent in gnomAD. Although we suspect that this variant may be benign, at this time, the clinical significance of this variant is uncertain due to the absence of conclusive functional and genetic evidence.

NM_001369623.2(PI4KB):c.263G>A (p.Arg88His)

Gene: PI4KB (phosphatidylinositol 4-kinase beta; minus strand). Cytogenetic location: 1q21.3.
Variant type: single nucleotide variant.
Coding change: c.263G>A on transcript NM_001369623.2 (MANE Select); coding-DNA position 263, G replaced by A.
Protein change: p.Arg88His; replaces arginine 88 with histidine.
Molecular consequence: missense variant. On other transcripts: intron variant (1).
Genome position (GRCh38, 1-based): chr1:151,316,219, C>T on the plus strand (G>A on the coding strand, the complement: PI4KB is on the minus strand). VCF-style: chr1-151316219-C-T. GRCh37 (hg19) VCF-style: chr1-151288695-C-T.
Other names: c.263G>A, p.Arg88His (NM_001198773.3, NM_001198774.2, NM_001330721.2 and 3 more transcripts); c.299G>A, p.Arg100His (NM_001369625.1, NM_001369628.1, NM_002651.4); c.-42-8418G>A (NM_001198775.3); short protein forms R100H, R88H.
Identifiers: ClinVar variation 4979749 (VCV004979749.1).